The following is an entry in ClinVar:

ClinVar aggregate classification (germline): Uncertain significance (1 of 4 stars; one submission).

Submission:

Labcorp Genetics (formerly Invitae), Labcorp
Classification: Uncertain significance. Last evaluated: 2025-11-18. Review status: criteria provided, single submitter. Criteria: Invitae Variant Classification Sherloc (09022015). Collection method: clinical testing. Allele origin: germline.
Comment: This sequence change replaces valine, which is neutral and non-polar, with leucine, which is neutral and non-polar, at codon 1050 of the ABL1 protein (p.Val1050Leu). This variant is not present in population databases (gnomAD no frequency). This variant has not been reported in the literature in individuals affected with ABL1-related conditions. Invitae Evidence Modeling of protein sequence and biophysical properties (such as structural, functional, and spatial information, amino acid conservation, physicochemical variation, residue mobility, and thermodynamic stability) indicates that this missense variant is not expected to disrupt ABL1 protein function with a negative predictive value of 80%. In summary, the available evidence is currently insufficient to determine the role of this variant in disease. Therefore, it has been classified as a Variant of Uncertain Significance.

NM_005157.6(ABL1):c.3091G>T (p.Val1031Leu)

Gene: ABL1 (ABL proto-oncogene 1, non-receptor tyrosine kinase; plus strand). Cytogenetic location: 9q34.12.
Variant type: single nucleotide variant.
Coding change: c.3091G>T on transcript NM_005157.6 (MANE Select); coding-DNA position 3091, G replaced by T.
Protein change: p.Val1031Leu; replaces valine 1031 with leucine.
Molecular consequence: missense variant.
Genome position (GRCh38, 1-based): chr9:130,885,381, G>T. VCF-style: chr9-130885381-G-T. GRCh37 (hg19) VCF-style: chr9-133760768-G-T.
Other names: c.3148G>T, p.Val1050Leu (NM_007313.3); short protein forms V1050L, V1031L.
Identifiers: ClinVar variation 4744374 (VCV004744374.1).